The following is an entry in ClinVar:

NM_001349338.3(FOXP1):c.1448_1455del (p.Glu483fs)

Genes: FOXP1 (forkhead box P1; minus strand), LOC126806714 (BRD4-independent group 4 enhancer GRCh37_chr3:71025197-71026396; plus strand). Cytogenetic location: 3p13.
Variant type: Deletion.
Coding change: c.1448_1455del on transcript NM_001349338.3 (MANE Select); coding-DNA positions 1448 to 1455, 8 bases deleted (AAAAGCAG; older notation c.1448_1455delAAAAGCAG).
Protein change: p.Glu483fs; shifts the reading frame from glutamic acid 483.
Molecular consequence: frameshift variant. On other transcripts: non-coding transcript variant (2).
Genome position (GRCh38, 1-based): chr3:70,977,016-70,977,023, CTGCTTTT deleted on the plus strand (AAAAGCAG on the coding strand, the reverse complement: FOXP1 is on the minus strand); deleting any 8 consecutive bases within chr3:70,977,016-70,977,026 gives the same sequence; the c. name uses the placement nearest the transcript's 3' end. VCF-style (leftmost placement, unchanged base first): chr3-70977015-GCTGCTTTT-G. GRCh37 (hg19) VCF-style: chr3-71026166-GCTGCTTTT-G.
Other names: c.1445_1452del, p.Glu482fs (NM_001244808.3, NM_001349341.3); c.1448_1455del, p.Glu483fs (NM_001244810.2, NM_001244814.3, NM_001244816.2 and 2 more transcripts); c.1220_1227del, p.Glu407fs (NM_001244812.3); c.1148_1155del, p.Glu383fs (NM_001244813.3, NM_001244815.2, NM_001349342.3); c.1145_1152del, p.Glu382fs (NM_001349337.2, NM_001349343.3, NM_001349344.3 and 1 more transcripts); short protein forms E382fs, E383fs, E407fs, E482fs, E483fs.
Identifiers: ClinVar variation 4814205 (VCV004814205.1).
Genomic context (GRCh38, chr3:70,977,015, plus strand): 5'-CGTTGCGTCGGAAGTAAGCAAACATTCGTGTGAACCAGTTATAGATCTCATTTAGTGTTA[GCTGCTTTT>G]CTGGAGATTCGAGAATGGCCTGTGAAGCAGAATGTAACAGAAGATAATTTATGACCAAAT-3'

ClinVar aggregate classification (germline): Pathogenic (1 of 4 stars; one submission).

Conditions:
FOXP1-related neurodevelopmental disorder.

Submission:

Rady Children's Institute for Genomic Medicine, Rady Children's Hospital San Diego
Classification: Pathogenic for FOXP1-related neurodevelopmental disorder. Last evaluated: 2025-12-03. Review status: criteria provided, single submitter. Criteria: ACMG Guidelines, 2015. Collection method: clinical testing. Allele origin: germline. Affected: yes.
Comment: This frameshifting variant in exon 17 of 21 is predicted to result in loss of normal protein function through either protein truncation or nonsense-mediated mRNA decay. Loss-of-function variation in FOXP1 is an established mechanism of disease (PMID: 29090079, 37733892). This variant has not been previously reported or functionally characterized in the literature to our knowledge. The c.1448_1455del (p.Glu483AlafsTer5) variant is absent from the latest version of the gnomAD population database and thus is presumed to be rare. Based on parental analysis, this variant likely occurred as a de novo event. Based on the available evidence, c.1448_1455del (p.Glu483AlafsTer5) is classified as Pathogenic.

Literature cited by the submitters: PubMed 37733892.